The following is an entry in ClinVar:

NM_003265.3(TLR3):c.938T>G (p.Leu313Trp)

Gene: TLR3 (toll like receptor 3; plus strand). Cytogenetic location: 4q35.1.
Variant type: single nucleotide variant.
Coding change: c.938T>G on transcript NM_003265.3 (MANE Select); coding-DNA position 938, T replaced by G.
Protein change: p.Leu313Trp; replaces leucine 313 with tryptophan.
Molecular consequence: missense variant.
Genome position (GRCh38, 1-based): chr4:186,082,624, T>G. VCF-style: chr4-186082624-T-G. GRCh37 (hg19) VCF-style: chr4-187003778-T-G.
Other names: short protein forms L313W.
Identifiers: ClinVar variation 1991280 (VCV001991280.4), dbSNP rs2478225133, ClinGen allele CA358930496.

ClinVar aggregate classification (germline): Uncertain significance (1 of 4 stars; one submission).

Conditions:
Encephalopathy, acute, infection-induced (herpes-specific), susceptibility to, 1. Also called: Herpes simplex encephalitis, susceptibility to, 1. Identifiers: Orphanet 1930, MedGen C2750180, MONDO:0024563, OMIM 610551.

Submission:

Labcorp Genetics (formerly Invitae), Labcorp
Classification: Uncertain significance for Encephalopathy, acute, infection-induced (herpes-specific), susceptibility to, 1. Last evaluated: 2024-02-12. Review status: criteria provided, single submitter. Criteria: Invitae Variant Classification Sherloc (09022015). Collection method: clinical testing. Allele origin: germline.
Comment: This sequence change replaces leucine, which is neutral and non-polar, with tryptophan, which is neutral and slightly polar, at codon 313 of the TLR3 protein (p.Leu313Trp). This variant is not present in population databases (gnomAD no frequency). This variant has not been reported in the literature in individuals affected with TLR3-related conditions. ClinVar contains an entry for this variant (Variation ID: 1991280). An algorithm developed to predict the effect of missense changes on protein structure and function (PolyPhen-2) suggests that this variant is likely to be disruptive. In summary, the available evidence is currently insufficient to determine the role of this variant in disease. Therefore, it has been classified as a Variant of Uncertain Significance.